The following is an entry in ClinVar:

ClinVar aggregate classification (germline): Uncertain significance (1 of 4 stars; one submission).

Conditions:
Granulomatous disease, chronic, autosomal recessive, cytochrome b-positive, type 2. Also called: Chronic granulomatous disease due to deficiency of NCF-2; Chronic Granulomatous Disease, Autosomal Recessive, Cytochrome b-Positive, Type II; CGD, AUTOSOMAL RECESSIVE CYTOCHROME b-POSITIVE, TYPE II; GRANULOMATOUS DISEASE, CHRONIC, DUE TO NCF2 DEFICIENCY; GRANULOMATOUS DISEASE, CHRONIC, AUTOSOMAL RECESSIVE, 2. Identifiers: Orphanet 379, MedGen C1856245, MONDO:0009310, OMIM 233710.

Allele frequency attached by ClinVar (database versions not stated): gnomAD below 0.00001 and 0.00001; gnomAD exomes below 0.00001.

Submission:

Labcorp Genetics (formerly Invitae), Labcorp
Classification: Uncertain significance for Granulomatous disease, chronic, autosomal recessive, cytochrome b-positive, type 2. Last evaluated: 2021-08-28. Review status: criteria provided, single submitter. Criteria: Invitae Variant Classification Sherloc (09022015). Collection method: clinical testing. Allele origin: germline.
Comment: This sequence change replaces glycine with arginine at codon 481 of the NCF2 protein (p.Gly481Arg). The glycine residue is highly conserved and there is a moderate physicochemical difference between glycine and arginine. This variant is not present in population databases (ExAC no frequency). This variant has not been reported in the literature in individuals affected with NCF2-related conditions. Algorithms developed to predict the effect of missense changes on protein structure and function (SIFT, PolyPhen-2, Align-GVGD) all suggest that this variant is likely to be disruptive. In summary, the available evidence is currently insufficient to determine the role of this variant in disease. Therefore, it has been classified as a Variant of Uncertain Significance.

NM_000433.4(NCF2):c.1441G>A (p.Gly481Arg)

Gene: NCF2 (neutrophil cytosolic factor 2; minus strand). Cytogenetic location: 1q25.3.
Variant type: single nucleotide variant.
Coding change: c.1441G>A on transcript NM_000433.4 (MANE Select); coding-DNA position 1441, G replaced by A.
Protein change: p.Gly481Arg; replaces glycine 481 with arginine.
Molecular consequence: missense variant.
Genome position (GRCh38, 1-based): chr1:183,560,123, C>T on the plus strand (G>A on the coding strand, the complement: NCF2 is on the minus strand). VCF-style: chr1-183560123-C-T. GRCh37 (hg19) VCF-style: chr1-183529258-C-T.
Other names: c.1441G>A, p.Gly481Arg (NM_001127651.3); c.1198G>A, p.Gly400Arg (NM_001190789.2); c.1306G>A, p.Gly436Arg (NM_001190794.2); short protein forms G436R, G400R, G481R.
Identifiers: ClinVar variation 649315 (VCV000649315.6), dbSNP rs1191336717, ClinGen allele CA343703551.